The following is an entry in ClinVar:

ClinVar aggregate classification (germline): Uncertain significance (1 of 4 stars; one submission).

gnomAD v4.1: 15 of 1,594,948 alleles (0.00094%); highest among the groups gnomAD compares: South Asian, 0.0022%; no homozygotes.

Submission:

Labcorp Genetics (formerly Invitae), Labcorp
Classification: Uncertain significance. Last evaluated: 2025-05-07. Review status: criteria provided, single submitter. Criteria: Invitae Variant Classification Sherloc (09022015). Collection method: clinical testing. Allele origin: germline.
Comment: This sequence change replaces alanine, which is neutral and non-polar, with valine, which is neutral and non-polar, at codon 1134 of the LAMA5 protein (p.Ala1134Val). The frequency data for this variant in the population databases is considered unreliable, as metrics indicate poor data quality at this position in the gnomAD database. This variant has not been reported in the literature in individuals affected with LAMA5-related conditions. An algorithm developed to predict the effect of missense changes on protein structure and function (PolyPhen-2) suggests that this variant is likely to be disruptive. In summary, the available evidence is currently insufficient to determine the role of this variant in disease. Therefore, it has been classified as a Variant of Uncertain Significance.

NM_005560.6(LAMA5):c.3401C>T (p.Ala1134Val)

Gene: LAMA5 (laminin subunit alpha 5; minus strand). Cytogenetic location: 20q13.33.
Variant type: single nucleotide variant.
Coding change: c.3401C>T on transcript NM_005560.6 (MANE Select); coding-DNA position 3401, C replaced by T.
Protein change: p.Ala1134Val; replaces alanine 1134 with valine.
Molecular consequence: missense variant.
Genome position (GRCh38, 1-based): chr20:62,332,599, G>A on the plus strand (C>T on the coding strand, the complement: LAMA5 is on the minus strand). VCF-style: chr20-62332599-G-A. GRCh37 (hg19) VCF-style: chr20-60907655-G-A.
Other names: short protein forms A1134V.
Identifiers: ClinVar variation 4802495 (VCV004802495.1).